The following is an entry in ClinVar:

NM_006237.4(POU4F1):c.1076G>T (p.Arg359Leu)

Genes: OBI1-AS1 (OBI1 antisense RNA 1; plus strand), POU4F1 (POU class 4 homeobox 1; minus strand). Cytogenetic location: 13q31.1.
Variant type: single nucleotide variant.
Coding change: c.1076G>T on transcript NM_006237.4 (MANE Select); coding-DNA position 1076, G replaced by T.
Protein change: p.Arg359Leu; replaces arginine 359 with leucine.
Molecular consequence: missense variant.
Genome position (GRCh38, 1-based): chr13:78,601,599, C>A on the plus strand (G>T on the coding strand, the complement: POU4F1 is on the minus strand). VCF-style: chr13-78601599-C-A. GRCh37 (hg19) VCF-style: chr13-79175734-C-A.
Other names: short protein forms R359L.
Identifiers: ClinVar variation 5017380 (VCV005017380.1).

ClinVar aggregate classification (germline): Uncertain significance (1 of 4 stars; one submission).

Submission:

GeneDx
Classification: Uncertain significance. Last evaluated: 2026-03-25. Review status: criteria provided, single submitter. Criteria: GeneDx Variant Classification Process June 2021. Collection method: clinical testing. Allele origin: germline.
Comment: Not observed at significant frequency in large population cohorts (gnomAD); In silico analysis supports that this missense variant has a deleterious effect on protein structure/function; Has not been previously published as pathogenic or benign to our knowledge